The following is an entry in ClinVar:

ClinVar aggregate classification (germline): Uncertain significance. Review status: criteria provided, multiple submitters, no conflicts (2 of 4 stars). 5 submissions from 5 submitters: Uncertain significance (5). Last evaluated 2025-08-13.

Conditions:
FRAS1-related disorder. Also called: FRAS1-related condition.
Fraser syndrome 1 (FRASRS1). Also called: CRYPTOPHTHALMOS WITH OTHER MALFORMATIONS. Identifiers: Orphanet 2052, MedGen C4551480, MONDO:0054737, OMIM 219000.
Inborn genetic diseases. Identifiers: MedGen C0950123, MeSH D030342.

gnomAD v4.1: 21 of 1,613,014 alleles (0.0013%); highest among the groups gnomAD compares: Admixed American, 0.03%; no homozygotes.

Submissions (5):

Ambry Genetics
Classification: Uncertain significance for Inborn genetic diseases. Last evaluated: 2025-08-13. Review status: criteria provided, single submitter. Criteria: Ambry Variant Classification Scheme 2023. Collection method: clinical testing. Allele origin: germline.

Labcorp Genetics (formerly Invitae), Labcorp
Classification: Uncertain significance. Last evaluated: 2025-06-12. Review status: criteria provided, single submitter. Criteria: Invitae Variant Classification Sherloc (09022015). Collection method: clinical testing. Allele origin: germline.
Comment: This sequence change replaces arginine, which is basic and polar, with glutamine, which is neutral and polar, at codon 2978 of the FRAS1 protein (p.Arg2978Gln). This variant is present in population databases (rs773491364, gnomAD 0.04%). This variant has not been reported in the literature in individuals affected with FRAS1-related conditions. ClinVar contains an entry for this variant (Variation ID: 2413764). Invitae Evidence Modeling of protein sequence and biophysical properties (such as structural, functional, and spatial information, amino acid conservation, physicochemical variation, residue mobility, and thermodynamic stability) indicates that this missense variant is expected to disrupt FRAS1 protein function with a positive predictive value of 80%. In summary, the available evidence is currently insufficient to determine the role of this variant in disease. Therefore, it has been classified as a Variant of Uncertain Significance.

PreventionGenetics, part of Exact Sciences
Classification: Uncertain significance for FRAS1-related condition. Last evaluated: 2025-02-19. Review status: criteria provided, single submitter. Criteria: ACMG Guidelines, 2015. Collection method: clinical testing. Allele origin: germline.
Comment: The FRAS1 c.8933G>A variant is predicted to result in the amino acid substitution p.Arg2978Gln. To our knowledge, this variant has not been reported in the literature. This variant is reported in 0.038% of alleles in individuals of Latino descent in gnomAD. At this time, the clinical significance of this variant is uncertain due to the absence of conclusive functional and genetic evidence.

Greenwood Genetic Center Diagnostic Laboratories, Greenwood Genetic Center
Classification: Uncertain significance. Last evaluated: 2024-09-05. Review status: criteria provided, single submitter. Criteria: ACMG Guidelines, 2015. Collection method: clinical testing. Allele origin: germline. Affected: yes.
Comment: PM2

Fulgent Genetics
Classification: Uncertain significance for Fraser syndrome 1. Last evaluated: 2024-04-08. Review status: criteria provided, single submitter. Criteria: ACMG Guidelines, 2015. Collection method: clinical testing. Allele origin: germline.

NM_025074.7(FRAS1):c.8933G>A (p.Arg2978Gln)

Gene: FRAS1 (Fraser extracellular matrix complex subunit 1; plus strand). Cytogenetic location: 4q21.21.
Variant type: single nucleotide variant.
Coding change: c.8933G>A on transcript NM_025074.7 (MANE Select); coding-DNA position 8933, G replaced by A.
Protein change: p.Arg2978Gln; replaces arginine 2978 with glutamine.
Molecular consequence: missense variant.
Genome position (GRCh38, 1-based): chr4:78,489,055, G>A. VCF-style: chr4-78489055-G-A. GRCh37 (hg19) VCF-style: chr4-79410209-G-A.
Other names: c.8933G>A (NM_025074.6); short protein forms R2978Q.
Identifiers: ClinVar variation 2413764 (VCV002413764.9), dbSNP rs773491364, ClinGen allele CA2978522.
Genomic context (GRCh38, chr4:78,489,055, plus strand): 5'-AGAGCCATTCCGCTCAGGTCATGGAGGACTTTGAGGAGAGACAAAATGCAGACTCTTCAC[G>A]GATTACATTTCTCAAAGGGGACAAAGTAAGTGGATTGGTGGTGGCTGAAAGATGAGATTC-3'
Protein context (NP_079350.5, residues 2968-2988): FEERQNADSS[Arg2978Gln]ITFLKGDKVK